The following is an entry in ClinVar:

ClinVar aggregate classification (germline): Uncertain significance (1 of 4 stars; one submission).

Conditions:
Cardiovascular phenotype. Identifiers: MedGen CN230736.

Submission:

Ambry Genetics
Classification: Uncertain significance for Cardiovascular phenotype. Last evaluated: 2025-12-07. Review status: criteria provided, single submitter. Criteria: Ambry Variant Classification Scheme 2023. Collection method: clinical testing. Allele origin: germline.
Comment: The p.N559S variant (also known as c.1676A>G), located in coding exon 8 of the AKAP9 gene, results from an A to G substitution at nucleotide position 1676. The asparagine at codon 559 is replaced by serine, an amino acid with highly similar properties. This amino acid position is conserved. In addition, this alteration is predicted to be tolerated by in silico analysis. Based on the available evidence, the clinical significance of this variant remains unclear.

NM_005751.5(AKAP9):c.1676A>G (p.Asn559Ser)

Gene: AKAP9 (A-kinase anchoring protein 9; plus strand). Cytogenetic location: 7q21.2.
Variant type: single nucleotide variant.
Coding change: c.1676A>G on transcript NM_005751.5 (MANE Select); coding-DNA position 1676, A replaced by G.
Protein change: p.Asn559Ser; replaces asparagine 559 with serine.
Molecular consequence: missense variant.
Genome position (GRCh38, 1-based): chr7:92,001,593, A>G. VCF-style: chr7-92001593-A-G. GRCh37 (hg19) VCF-style: chr7-91630907-A-G.
Other names: c.1676A>G, p.Asn559Ser (NM_147185.3); short protein forms N559S.
Identifiers: ClinVar variation 4613426 (VCV004613426.1).